The following is an entry in ClinVar:

NM_006206.6(PDGFRA):c.937G>C (p.Gly313Arg)

Gene: PDGFRA (platelet derived growth factor receptor alpha; plus strand). Cytogenetic location: 4q12.
Variant type: single nucleotide variant.
Coding change: c.937G>C on transcript NM_006206.6 (MANE Select); coding-DNA position 937, G replaced by C.
Protein change: p.Gly313Arg; replaces glycine 313 with arginine.
Molecular consequence: missense variant.
Genome position (GRCh38, 1-based): chr4:54,267,557, G>C. VCF-style: chr4-54267557-G-C. GRCh37 (hg19) VCF-style: chr4-55133724-G-C.
Other names: c.937G>C, p.Gly313Arg (NM_001347827.2, NM_001347829.2); c.1012G>C, p.Gly338Arg (NM_001347828.2); c.976G>C, p.Gly326Arg (NM_001347830.2); short protein forms G313R, G326R, G338R.
Identifiers: ClinVar variation 4530335 (VCV004530335.1).
Genomic context (GRCh38, chr4:54,267,557, plus strand): 5'-TGCTCGGGATCCATATGTGGTAATCATTATTTAATGGAAACTCTTCCCTGTACAGAGAAA[G>C]GTTTCATTGAAATCAAACCCACCTTCAGCCAGTTGGAAGCTGTCAACCTGCATGAAGTCA-3'
Protein context (NP_006197.1, residues 303-323): KKVTISVHEK[Gly313Arg]FIEIKPTFSQ

ClinVar aggregate classification (somatic clinical impact): Tier I - Strong (1 of 4 stars; one submission).

Conditions:
Diffuse glioma, H3 G34 mutant. Identifiers: MedGen CN377580, MONDO:0957197.

Submission:

Institute for Genomic Medicine (IGM) Clinical Laboratory, Nationwide Children's Hospital
Classification: Tier I - Strong for Diffuse glioma, H3 G34 mutant. Assertion type: diagnostic. Clinical significance: supports diagnosis. Last evaluated: 2023-09-26. Review status: criteria provided, single submitter. Criteria: AMP/ASCO/CAP Guidelines, 2017. Collection method: clinical testing. Allele origin: somatic. Affected: yes.
Comment: Variant has Tier I (strong) clinical significance as a diagnostic inclusion criterion in diffuse glioma, H3 G34 mutant, based on the following evidence: 1) Documented in one or more cancer databases (e.g., St. Jude Pecan, COSMIC, CIViC, OncoKB). 2) Diagnostic for a specific tumor type/classification based on well-powered studies with expert-level consensus (Evidence Level B; PMIDs: 24705251, 25230881, 28966033, 29763623, 24705250, 33259802, 35195909).

Literature cited by the submitters: PubMed 24705251; PubMed 25230881; PubMed 28966033; PubMed 29763623; PubMed 24705250; PubMed 33259802; PubMed 35195909.